The following is an entry in ClinVar:

ClinVar aggregate classification (germline): Uncertain significance. Review status: criteria provided, multiple submitters, no conflicts (2 of 4 stars). 2 submissions from 2 submitters: Uncertain significance (2). Last evaluated 2024-05-02.

Conditions:
Autosomal dominant Parkinson disease 8. Also called: Parkinson disease 8, susceptibility to; LRRK2-Related Parkinson Disease; Parkinson disease 8. Identifiers: Orphanet 411602, MedGen C1846862, MONDO:0011764, OMIM 607060.
Inborn genetic diseases. Identifiers: MedGen C0950123, MeSH D030342.

Submissions (2):

Labcorp Genetics (formerly Invitae), Labcorp
Classification: Uncertain significance for Autosomal dominant Parkinson disease 8. Last evaluated: 2024-05-02. Review status: criteria provided, single submitter. Criteria: Invitae Variant Classification Sherloc (09022015). Collection method: clinical testing. Allele origin: germline.
Comment: This sequence change replaces lysine, which is basic and polar, with glutamic acid, which is acidic and polar, at codon 2260 of the LRRK2 protein (p.Lys2260Glu). This variant is not present in population databases (gnomAD no frequency). This variant has not been reported in the literature in individuals affected with LRRK2-related conditions. Advanced modeling of protein sequence and biophysical properties (such as structural, functional, and spatial information, amino acid conservation, physicochemical variation, residue mobility, and thermodynamic stability) performed at Invitae indicates that this missense variant is not expected to disrupt LRRK2 protein function with a negative predictive value of 80%. In summary, the available evidence is currently insufficient to determine the role of this variant in disease. Therefore, it has been classified as a Variant of Uncertain Significance.

Ambry Genetics
Classification: Uncertain significance for Inborn genetic diseases. Last evaluated: 2024-02-25. Review status: criteria provided, single submitter. Criteria: Ambry Variant Classification Scheme 2023. Collection method: clinical testing. Allele origin: germline.
Comment: The p.K2260E variant (also known as c.6778A>G), located in coding exon 46 of the LRRK2 gene, results from an A to G substitution at nucleotide position 6778. The lysine at codon 2260 is replaced by glutamic acid, an amino acid with similar properties. This amino acid position is conserved. In addition, this alteration is predicted to be tolerated by in silico analysis. Based on the available evidence, the clinical significance of this alteration remains unclear.

NM_198578.4(LRRK2):c.6778A>G (p.Lys2260Glu)

Gene: LRRK2 (leucine rich repeat kinase 2; plus strand). Cytogenetic location: 12q12.
Variant type: single nucleotide variant.
Coding change: c.6778A>G on transcript NM_198578.4 (MANE Select); coding-DNA position 6778, A replaced by G.
Protein change: p.Lys2260Glu; replaces lysine 2260 with glutamic acid.
Molecular consequence: missense variant.
Genome position (GRCh38, 1-based): chr12:40,356,122, A>G. VCF-style: chr12-40356122-A-G. GRCh37 (hg19) VCF-style: chr12-40749924-A-G.
Other names: short protein forms K2260E.
Identifiers: ClinVar variation 3229756 (VCV003229756.3), dbSNP rs2500000377, ClinGen allele CA384410003.
Genomic context (GRCh38, chr12:40,356,122, plus strand): 5'-TTTAGTCAACATACATGTTCTTTTTGTAACAATTTCAACATTTTTCCTTTTAGCAAACAA[A>G]AAAATTTTCTTTTGGTTGGAACCGCTGATGGCAAGTTAGCAATTTTTGAAGATAAGACTG-3'
Protein context (NP_940980.4, residues 2250-2270): CNSFSKQSKQ[Lys2260Glu]NFLLVGTADG